The following is an entry in ClinVar:

ClinVar aggregate classification (germline): Uncertain significance (1 of 4 stars; one submission).

Conditions:
Birt-Hogg-Dube syndrome. Also called: Birt Hogg Dubé syndrome. Identifiers: Orphanet 122, MedGen C0346010, MONDO:0800444.

Submission:

Labcorp Genetics (formerly Invitae), Labcorp
Classification: Uncertain significance for Birt-Hogg-Dube syndrome. Last evaluated: 2025-10-13. Review status: criteria provided, single submitter. Criteria: Invitae Variant Classification Sherloc (09022015). Collection method: clinical testing. Allele origin: germline.
Comment: This sequence change replaces serine, which is neutral and polar, with arginine, which is basic and polar, at codon 153 of the FLCN protein (p.Ser153Arg). This variant is not present in population databases (gnomAD no frequency). This variant has not been reported in the literature in individuals affected with FLCN-related conditions. Invitae Evidence Modeling of protein sequence and biophysical properties (such as structural, functional, and spatial information, amino acid conservation, physicochemical variation, residue mobility, and thermodynamic stability) indicates that this missense variant is expected to disrupt FLCN protein function with a positive predictive value of 80%. In summary, the available evidence is currently insufficient to determine the role of this variant in disease. Therefore, it has been classified as a Variant of Uncertain Significance.

NM_144997.7(FLCN):c.457A>C (p.Ser153Arg)

Gene: FLCN (folliculin; minus strand). Cytogenetic location: 17p11.2.
Variant type: single nucleotide variant.
Coding change: c.457A>C on transcript NM_144997.7 (MANE Select); coding-DNA position 457, A replaced by C.
Protein change: p.Ser153Arg; replaces serine 153 with arginine.
Molecular consequence: missense variant.
Genome position (GRCh38, 1-based): chr17:17,224,083, T>G on the plus strand (A>C on the coding strand, the complement: FLCN is on the minus strand). VCF-style: chr17-17224083-T-G. GRCh37 (hg19) VCF-style: chr17-17127397-T-G.
Other names: c.511A>C, p.Ser171Arg (NM_001353229.2); c.457A>C, p.Ser153Arg (NM_001353230.2, NM_001353231.2, NM_144606.7); short protein forms S153R, S171R.
Identifiers: ClinVar variation 4742358 (VCV004742358.1).